The following is an entry in ClinVar:

NM_002907.4(RECQL):c.856C>A (p.Leu286Ile)

Gene: RECQL (RecQ like helicase; minus strand). Cytogenetic location: 12p12.1.
Variant type: single nucleotide variant.
Coding change: c.856C>A on transcript NM_002907.4 (MANE Select); coding-DNA position 856, C replaced by A.
Protein change: p.Leu286Ile; replaces leucine 286 with isoleucine.
Molecular consequence: missense variant.
Genome position (GRCh38, 1-based): chr12:21,477,814, G>T on the plus strand (C>A on the coding strand, the complement: RECQL is on the minus strand). VCF-style: chr12-21477814-G-T. GRCh37 (hg19) VCF-style: chr12-21630748-G-T.
Other names: c.856C>A, p.Leu286Ile (NM_032941.3); short protein forms L286I.
Identifiers: ClinVar variation 1763881 (VCV001763881.2), dbSNP rs1943113850, ClinGen allele CA384123935.

ClinVar aggregate classification (germline): Uncertain significance (1 of 4 stars; one submission).

Submission:

Ambry Genetics
Classification: Uncertain significance. Last evaluated: 2021-12-10. Review status: criteria provided, single submitter. Criteria: Ambry Variant Classification Scheme 2023. Collection method: clinical testing. Allele origin: germline.
Comment: The p.L286I variant (also known as c.856C>A), located in coding exon 6 of the RECQL gene, results from a C to A substitution at nucleotide position 856. The leucine at codon 286 is replaced by isoleucine, an amino acid with highly similar properties. This amino acid position is conserved. In addition, the in silico prediction for this alteration is inconclusive. Since supporting evidence is limited at this time, the clinical significance of this alteration remains unclear.